The following is an entry in ClinVar:

NM_022552.5(DNMT3A):c.1195G>A (p.Val399Met)

Gene: DNMT3A (DNA methyltransferase 3 alpha; minus strand). Cytogenetic location: 2p23.3.
Variant type: single nucleotide variant.
Coding change: c.1195G>A on transcript NM_022552.5 (MANE Select); coding-DNA position 1195, G replaced by A.
Protein change: p.Val399Met; replaces valine 399 with methionine.
Molecular consequence: missense variant. On other transcripts: non-coding transcript variant (1).
Genome position (GRCh38, 1-based): chr2:25,246,704, C>T on the plus strand (G>A on the coding strand, the complement: DNMT3A is on the minus strand). VCF-style: chr2-25246704-C-T. GRCh37 (hg19) VCF-style: chr2-25469573-C-T.
Other names: c.739G>A, p.Val247Met (NM_001320893.1); c.526G>A, p.Val176Met (NM_001375819.1); c.628G>A, p.Val210Met (NM_153759.3); c.1195G>A, p.Val399Met (NM_175629.2); short protein forms V399M, V176M, V210M, V247M.
Identifiers: ClinVar variation 4995018 (VCV004995018.1).

ClinVar aggregate classification (germline): Uncertain significance (1 of 4 stars; one submission).

Conditions:
DNMT3A-related disorder. Also called: DNMT3A-related disorders; DNMT3A-related condition.

Submission:

PreventionGenetics, part of Exact Sciences
Classification: Uncertain significance for DNMT3A-related condition. Last evaluated: 2026-06-01. Review status: criteria provided, single submitter. Criteria: ACMG Guidelines, 2015. Collection method: clinical testing. Allele origin: germline.
Comment: The DNMT3A c.1195G>A variant is predicted to result in the amino acid substitution p.Val399Met. To our knowledge, this variant has not been reported in the literature. This variant is reported in 0.00088% of alleles in individuals of European (Non-Finnish) descent in gnomAD. At this time, the clinical significance of this variant is uncertain due to the absence of conclusive functional and genetic evidence.